The following is an entry in ClinVar:

ClinVar aggregate classification (germline): Conflicting classifications of pathogenicity. Review status: criteria provided, conflicting classifications (1 of 4 stars). 3 submissions from 3 submitters: Uncertain significance (2); Likely benign (1). Last evaluated 2025-12-05.

Conditions:
Iodotyrosyl coupling defect (TDH3). Also called: HYPOTHYROIDISM, CONGENITAL, DUE TO DYSHORMONOGENESIS, 3; THYROID HORMONOGENESIS, GENETIC DEFECT IN, 3. Identifiers: Orphanet 95716, MedGen C0342194, MONDO:0010135, OMIM 274700.

Allele frequency attached by ClinVar (database versions not stated): ESP Exome Variant Server 0.00023; gnomAD 0.00032 and 0.00041; TOPMed 0.00033; ExAC 0.00046; gnomAD exomes 0.00050; 1000 Genomes Project 30x 0.00109; 1000 Genomes Project 0.00140.
gnomAD v4.1: 554 of 1,613,776 alleles (0.034%); highest among the groups gnomAD compares: East Asian, 0.69%; 1 homozygote.

Submissions (3):

Labcorp Genetics (formerly Invitae), Labcorp
Classification: Likely benign. Last evaluated: 2025-12-05. Review status: criteria provided, single submitter. Criteria: Invitae Variant Classification Sherloc (09022015). Collection method: clinical testing. Allele origin: germline.

GeneDx
Classification: Uncertain significance. Last evaluated: 2024-03-23. Review status: criteria provided, single submitter. Criteria: GeneDx Variant Classification Process June 2021. Collection method: clinical testing. Allele origin: germline. Affected: yes.
Comment: In silico analysis supports that this missense variant has a deleterious effect on protein structure/function; This variant is associated with the following publications: (PMID: 32425884, 32319661, 32459320, 26742565, 37063660, 27498126, 26777470, 37717261, 31178475)

Revvity Omics, Revvity
Classification: Uncertain significance for Iodotyrosyl coupling defect. Last evaluated: 2022-07-12. Review status: criteria provided, single submitter. Criteria: ACMG Guidelines, 2015. Collection method: clinical testing. Allele origin: germline.

NM_003235.5(TG):c.7753C>T (p.Arg2585Trp)

Gene: TG (thyroglobulin; plus strand). Cytogenetic location: 8q24.22.
Variant type: single nucleotide variant.
Coding change: c.7753C>T on transcript NM_003235.5 (MANE Select); coding-DNA position 7753, C replaced by T.
Protein change: p.Arg2585Trp; replaces arginine 2585 with tryptophan.
Molecular consequence: missense variant.
Genome position (GRCh38, 1-based): chr8:133,113,602, C>T. VCF-style: chr8-133113602-C-T. GRCh37 (hg19) VCF-style: chr8-134125846-C-T.
Other names: short protein forms R2585W.
Identifiers: ClinVar variation 632022 (VCV000632022.14), dbSNP rs114211101, ClinGen allele CA4885757.